The following is an entry in ClinVar:

ClinVar aggregate classification (germline): Uncertain significance. Review status: criteria provided, multiple submitters, no conflicts (2 of 4 stars). 3 submissions from 3 submitters: Uncertain significance (2). 1 of the submissions does not count toward it. Last evaluated 2025-12-17.

Conditions:
Autoimmune disease, susceptibility to, 6. Identifiers: MedGen C3150797, MONDO:0013303, OMIM 613551.

Allele frequency attached by ClinVar (database versions not stated): ExAC 0.00011; gnomAD 0.00022 and 0.00024; ESP Exome Variant Server 0.00023; gnomAD exomes 0.00009 and 0.00017; TOPMed 0.00022.
gnomAD v4.1: 180 of 1,614,000 alleles (0.011%); highest among the groups gnomAD compares: Admixed American, 0.028%; no homozygotes.

Submissions (3):

Labcorp Genetics (formerly Invitae), Labcorp
Classification: Uncertain significance. Last evaluated: 2025-12-17. Review status: criteria provided, single submitter. Criteria: Invitae Variant Classification Sherloc (09022015). Collection method: clinical testing. Allele origin: germline.
Comment: This sequence change replaces phenylalanine, which is neutral and non-polar, with serine, which is neutral and polar, at codon 404 of the SIAE protein (p.Phe404Ser). This variant is present in population databases (rs201877149, gnomAD 0.2%), and has an allele count higher than expected for a pathogenic variant. This missense change has been observed in individual(s) with autoimmune disease or biliary cirrhosis (PMID: 20555325, 22257840). ClinVar contains an entry for this variant (Variation ID: 1353). An algorithm developed to predict the effect of missense changes on protein structure and function (PolyPhen-2) suggests that this variant is likely to be disruptive. Experimental studies have shown that this missense change affects SIAE function (PMID: 20555325). In summary, the available evidence is currently insufficient to determine the role of this variant in disease. Therefore, it has been classified as a Variant of Uncertain Significance.

Women's Health and Genetics/Laboratory Corporation of America, LabCorp
Classification: Uncertain significance. Last evaluated: 2023-02-01. Review status: criteria provided, single submitter. Criteria: LabCorp Variant Classification Summary - May 2015. Collection method: clinical testing. Allele origin: germline.
Comment: Variant summary: SIAE c.1211T>C (p.Phe404Ser) results in a non-conservative amino acid change in the encoded protein sequence. Three of five in-silico tools predict a benign effect of the variant on protein function. The variant allele was found at a frequency of 0.00017 in 251456 control chromosomes. This frequency does not allow conclusions about variant significance. c.1211T>C has been reported in the literature in individuals with diseases of an autoimmune etiology such as SLE, Juvenile idiopathic arthritis, Primary Biliary Cirrhosis and in unaffected controls (example, Surolia_2010, Hirschfield_2012, Sevdali_2017). These report(s) do not provide unequivocal conclusions about a penetrant association of the variant with Autoimmune Disease, Susceptibility To, 6. At least one publication reports experimental evidence evaluating an impact on protein function (Surolia_2010). The most pronounced variant effect results in >50% of normal esterase activity with the authors characterizing it as esterase and secretion defective. One clinical diagnostic laboratory has submitted clinical-significance assessments for this variant to ClinVar after 2014 and classified the variant as uncertain significance citing overlapping evidence utilized in the context of this evaluation. Based on the evidence outlined above, the variant was classified as uncertain significance.

OMIM
Classification: risk factor for AUTOIMMUNE DISEASE, SUSCEPTIBILITY TO, 6. Last evaluated: 2010-07-08. Review status: no assertion criteria provided. Collection method: literature only. Allele origin: germline. Not counted in ClinVar's aggregate classification.

Literature cited by the submitters: PubMed 20555325 (cited by 3 submitters); PubMed 22257840 (cited by Labcorp Genetics (formerly Invitae), Labcorp and Women's Health and Genetics/Laboratory Corporation of America, LabCorp); PubMed 28900629 (cited by Women's Health and Genetics/Laboratory Corporation of America, LabCorp).

NM_170601.5(SIAE):c.1211T>C (p.Phe404Ser)

Gene: SIAE (sialic acid acetylesterase; minus strand). Cytogenetic location: 11q24.2.
Variant type: single nucleotide variant.
Coding change: c.1211T>C on transcript NM_170601.5 (MANE Select); coding-DNA position 1211, T replaced by C.
Protein change: p.Phe404Ser; replaces phenylalanine 404 with serine.
Molecular consequence: missense variant.
Genome position (GRCh38, 1-based): chr11:124,638,651, A>G on the plus strand (T>C on the coding strand, the complement: SIAE is on the minus strand). VCF-style: chr11-124638651-A-G. GRCh37 (hg19) VCF-style: chr11-124508547-A-G.
Other names: c.1106T>C, p.Phe369Ser (NM_001199922.2); c.1211T>C (NM_170601.4); short protein forms F404S, F369S.
Identifiers: ClinVar variation 1353 (VCV000001353.7), dbSNP rs201877149, ClinGen allele CA114953.